The following is an entry in ClinVar:

ClinVar aggregate classification (germline): Pathogenic/Likely pathogenic. Review status: criteria provided, multiple submitters, no conflicts (2 of 4 stars). 2 submissions from 2 submitters: Pathogenic (1); Likely pathogenic (1). Last evaluated 2024-04-16.

Conditions:
Familial cancer of breast. Also called: hereditary breast carcinoma; BREAST CANCER, FAMILIAL; Hereditary breast cancer. Identifiers: Orphanet 227535, MedGen C0346153, MONDO:0016419, OMIM 114480. Disease mechanism: loss of function.

Submissions (2):

Myriad Genetics, Inc.
Classification: Pathogenic for Familial cancer of breast. Last evaluated: 2024-04-16. Review status: criteria provided, single submitter. Criteria: Myriad Autosomal Dominant, Autosomal Recessive and X-Linked Classification Criteria (2023). Collection method: clinical testing. Allele origin: unknown.
Comment: This variant is considered pathogenic. This variant creates a frameshift predicted to result in premature protein truncation.

Labcorp Genetics (formerly Invitae), Labcorp
Classification: Likely pathogenic for Familial cancer of breast. Last evaluated: 2022-05-01. Review status: criteria provided, single submitter. Criteria: Invitae Variant Classification Sherloc (09022015). Collection method: clinical testing. Allele origin: germline.
Comment: This variant is not present in population databases (gnomAD no frequency). This sequence change creates a premature translational stop signal (p.His686Glnfs*27) in the BARD1 gene. While this is not anticipated to result in nonsense mediated decay, it is expected to disrupt the last 92 amino acid(s) of the BARD1 protein. This variant has not been reported in the literature in individuals affected with BARD1-related conditions. ClinVar contains an entry for this variant (Variation ID: 1067562). This variant disrupts the C-terminal BRCT domain of BARD1 protein, which is required for chromosome stability and homology-directed repair (PMID: 17848578). A different variant (p.Val767fs) that lies downstream of this variant has been reported to affect BARD1 protein function (PMID: 30925164), this suggests that disruption of this region of the protein is causative of disease. In summary, the currently available evidence indicates that the variant is pathogenic, but additional data are needed to prove that conclusively. Therefore, this variant has been classified as Likely Pathogenic.

Literature cited by the submitters: PubMed 17848578 (cited by Labcorp Genetics (formerly Invitae), Labcorp); PubMed 30925164 (cited by Labcorp Genetics (formerly Invitae), Labcorp).

NM_000465.4(BARD1):c.2058_2061del (p.His686fs)

Gene: BARD1 (BRCA1 associated RING domain 1; minus strand). Cytogenetic location: 2q35.
Variant type: Deletion.
Coding change: c.2058_2061del on transcript NM_000465.4 (MANE Select); coding-DNA positions 2058 to 2061, 4 bases deleted (TCCA; older notation c.2058_2061delTCCA).
Protein change: p.His686fs; shifts the reading frame from histidine 686.
Molecular consequence: frameshift variant. On other transcripts: non-coding transcript variant (3).
Genome position (GRCh38, 1-based): chr2:214,728,949-214,728,952, TGGA deleted on the plus strand (TCCA on the coding strand, the reverse complement: BARD1 is on the minus strand); deleting any 4 consecutive bases within chr2:214,728,949-214,728,955 gives the same sequence; the c. name uses the placement nearest the transcript's 3' end. VCF-style (leftmost placement, unchanged base first): chr2-214728948-TTGGA-T. GRCh37 (hg19) VCF-style: chr2-215593672-TTGGA-T.
Other names: c.2001_2004del, p.His667fs (NM_001282543.2); c.705_708del, p.His235fs (NM_001282545.2); c.648_651del, p.His216fs (NM_001282548.2); c.519_522del, p.His173fs (NM_001282549.2); short protein forms H173fs, H216fs, H235fs, H667fs, H686fs.
Identifiers: ClinVar variation 1067562 (VCV001067562.11), dbSNP rs2105987749, ClinGen allele CA2499215603.